The following is an entry in ClinVar:

ClinVar aggregate classification (germline): Pathogenic (1 of 4 stars; one submission).

Submission:

Labcorp Genetics (formerly Invitae), Labcorp
Classification: Pathogenic. Last evaluated: 2022-06-30. Review status: criteria provided, single submitter. Criteria: Invitae Variant Classification Sherloc (09022015). Collection method: clinical testing. Allele origin: germline.
Comment: For these reasons, this variant has been classified as Pathogenic. This variant has not been reported in the literature in individuals affected with ADAMTS17-related conditions. This variant is a gross deletion of the genomic region encompassing exon(s) 6-7 of the ADAMTS17 gene. This deletion is out-of-frame, and is expected to create a premature termination codon and result in an absent or disrupted protein product. Loss-of-function variants in ADAMTS17 are known to be pathogenic (PMID: 19836009, 24940034).

Literature cited by the submitters: PubMed 19836009; PubMed 24940034.

NC_000015.9:g.(?_100794321)_(100801861_?)del

Gene: ADAMTS17 (ADAM metallopeptidase with thrombospondin type 1 motif 17; minus strand). Cytogenetic location: 15q26.3.
Variant type: Deletion.
Identifiers: ClinVar variation 2427276 (VCV002427276.4).